The following is an entry in ClinVar:

ClinVar aggregate classification (germline): Likely benign (1 of 4 stars; one submission).

Submission:

CeGaT Center for Human Genetics Tuebingen
Classification: Likely benign. Last evaluated: 2024-09-01. Review status: criteria provided, single submitter. Criteria: CeGaT Center For Human Genetics Tuebingen Variant Classification Criteria Version 2. Collection method: clinical testing. Allele origin: germline. Affected: yes. Observed: 1 variant allele.
Comment: AP1S3: BP4

NC_000002.12:g.223752894T>C

Gene: AP1S3 (adaptor related protein complex 1 subunit sigma 3; minus strand). Cytogenetic location: 2q36.1.
Variant type: single nucleotide variant.
Genome position: GRCh38 VCF-style: chr2-223752894-T-C. GRCh37 (hg19) VCF-style: chr2-224617611-T-C.
Identifiers: ClinVar variation 3389748 (VCV003389748.14).